The following is an entry in ClinVar:

NM_015164.4(PLEKHM2):c.1969G>A (p.Glu657Lys)

Gene: PLEKHM2 (pleckstrin homology and RUN domain containing M2; plus strand). Cytogenetic location: 1p36.21.
Variant type: single nucleotide variant.
Coding change: c.1969G>A on transcript NM_015164.4 (MANE Select); coding-DNA position 1969, G replaced by A.
Protein change: p.Glu657Lys; replaces glutamic acid 657 with lysine.
Molecular consequence: missense variant.
Genome position (GRCh38, 1-based): chr1:15,728,716, G>A. VCF-style: chr1-15728716-G-A. GRCh37 (hg19) VCF-style: chr1-16055211-G-A.
Other names: short protein forms E657K.
Identifiers: ClinVar variation 1062501 (VCV001062501.9), dbSNP rs759249900, ClinGen allele CA617090.

ClinVar aggregate classification (germline): Uncertain significance (1 of 4 stars; one submission).

Allele frequency attached by ClinVar (database versions not stated): TOPMed below 0.00001; gnomAD 0.00001; gnomAD exomes 0.00001 and 0.00002; ExAC 0.00002.

Submission:

Labcorp Genetics (formerly Invitae), Labcorp
Classification: Uncertain significance. Last evaluated: 2023-03-30. Review status: criteria provided, single submitter. Criteria: Invitae Variant Classification Sherloc (09022015). Collection method: clinical testing. Allele origin: germline.
Comment: In summary, the available evidence is currently insufficient to determine the role of this variant in disease. Therefore, it has been classified as a Variant of Uncertain Significance. An algorithm developed to predict the effect of missense changes on protein structure and function (PolyPhen-2) suggests that this variant is likely to be disruptive. ClinVar contains an entry for this variant (Variation ID: 1062501). This variant has not been reported in the literature in individuals affected with PLEKHM2-related conditions. This variant is present in population databases (rs759249900, gnomAD 0.02%). This sequence change replaces glutamic acid, which is acidic and polar, with lysine, which is basic and polar, at codon 657 of the PLEKHM2 protein (p.Glu657Lys).